The following is an entry in ClinVar:

NM_000166.6(GJB1):c.370A>G (p.Lys124Glu)

Gene: GJB1 (gap junction protein beta 1; plus strand). Cytogenetic location: Xq13.1.
Variant type: single nucleotide variant.
Coding change: c.370A>G on transcript NM_000166.6 (MANE Select); coding-DNA position 370, A replaced by G.
Protein change: p.Lys124Glu; replaces lysine 124 with glutamic acid.
Molecular consequence: missense variant.
Genome position (GRCh38, 1-based): chrX:71,224,077, A>G. VCF-style: chrX-71224077-A-G. GRCh37 (hg19) VCF-style: chrX-70443927-A-G.
Other names: c.370A>G, p.Lys124Glu (NM_001097642.3); short protein forms K124E.
Identifiers: ClinVar variation 477596 (VCV000477596.34), dbSNP rs1555937161, ClinGen allele CA413502056.

ClinVar aggregate classification (germline): Conflicting classifications of pathogenicity. Review status: criteria provided, conflicting classifications (1 of 4 stars). 2 submissions from 2 submitters: Likely pathogenic (1); Uncertain significance (1). Last evaluated 2021-09-25.

Conditions:
Charcot-Marie-Tooth Neuropathy X. Identifiers: MedGen CN118851.
Peripheral neuropathy. Also called: Neuropathy. Identifiers: MedGen C0031117, MONDO:0005244, HP:0009830.

Submissions (2):

Labcorp Genetics (formerly Invitae), Labcorp
Classification: Uncertain significance for Charcot-Marie-Tooth Neuropathy X. Last evaluated: 2021-09-25. Review status: criteria provided, single submitter. Criteria: Invitae Variant Classification Sherloc (09022015). Collection method: clinical testing. Allele origin: germline.
Comment: This variant is not present in population databases (ExAC no frequency). ClinVar contains an entry for this variant (Variation ID: 477596). This sequence change replaces lysine with glutamic acid at codon 124 of the GJB1 protein (p.Lys124Glu). The lysine residue is highly conserved and there is a small physicochemical difference between lysine and glutamic acid. This missense change has been observed in individual(s) with Charcot–Marie–Tooth (PMID: 27234031). Algorithms developed to predict the effect of missense changes on protein structure and function are either unavailable or do not agree on the potential impact of this missense change (SIFT: "Deleterious"; PolyPhen-2: "Benign"; Align-GVGD: "Class C55"). In summary, the available evidence is currently insufficient to determine the role of this variant in disease. Therefore, it has been classified as a Variant of Uncertain Significance.

Kariminejad - Najmabadi Pathology & Genetics Center
Classification: Likely pathogenic for Peripheral neuropathy. Last evaluated: 2021-07-10. Review status: criteria provided, single submitter. Criteria: ACMG Guidelines, 2015. Collection method: clinical testing. Allele origin: germline. Affected: yes.

Literature cited by the submitters: PubMed 27234031 (cited by Labcorp Genetics (formerly Invitae), Labcorp).